The following is an entry in ClinVar:

ClinVar aggregate classification (germline): Uncertain significance (1 of 4 stars; one submission).

Allele frequency attached by ClinVar (database versions not stated): gnomAD exomes below 0.00001.

Submission:

Labcorp Genetics (formerly Invitae), Labcorp
Classification: Uncertain significance. Last evaluated: 2022-11-07. Review status: criteria provided, single submitter. Criteria: Invitae Variant Classification Sherloc (09022015). Collection method: clinical testing. Allele origin: germline.
Comment: This variant, c.318_323dup, results in the insertion of 2 amino acid(s) of the RORB protein (p.Arg108_Gln109dup), but otherwise preserves the integrity of the reading frame. This variant is not present in population databases (gnomAD no frequency). This variant has not been reported in the literature in individuals affected with RORB-related conditions. In summary, the available evidence is currently insufficient to determine the role of this variant in disease. Therefore, it has been classified as a Variant of Uncertain Significance.

NM_006914.4(RORB):c.318_323dup (p.Gln109_Gln110insArgGln)

Gene: RORB (RAR related orphan receptor B; plus strand). Cytogenetic location: 9q21.13.
Variant type: Duplication.
Coding change: c.318_323dup on transcript NM_006914.4 (MANE Select); coding-DNA positions 318 to 323, 6 bases duplicated (ACAGCG; older notation c.318_323dupACAGCG).
Protein change: p.Gln109_Gln110insArgGln.
Molecular consequence: inframe insertion.
Genome position (GRCh38, 1-based): chr9:74,642,496-74,642,501, ACAGCG duplicated. VCF-style (leftmost placement, unchanged base first): chr9-74642495-A-AACAGCG. GRCh37 (hg19) VCF-style: chr9-77257411-A-AACAGCG.
Other names: c.351_356dup, p.Gln120_Gln121insArgGln (NM_001365023.1).
Identifiers: ClinVar variation 2812699 (VCV002812699.3), dbSNP rs2489583348, ClinGen allele CA2690303310.
Genomic context (GRCh38, chr9:74,642,495, plus strand): 5'-CCAAGAAGCAAAGGGACAGCCTGTATGCTGAGGTGCAGAAGCACCAGCAGCGGCTGCAGG[A>AACAGCG]ACAGCGGCAGCAGCAGAGTGGGGAGGCAGAAGCCCTTGCCAGGGTGTACAGCAGCAGCAT-3'